The following is an entry in ClinVar:

ClinVar aggregate classification (germline): Pathogenic (1 of 4 stars; one submission).

Conditions:
Osteogenesis imperfecta type I (OI1). Also called: Classic Non-deforming Osteogenesis Imperfecta with Blue Sclerae; OI, TYPE I; OSTEOGENESIS IMPERFECTA TARDA; OSTEOGENESIS IMPERFECTA WITH BLUE SCLERAE; Osteogenesis imperfecta type 1; Lobstein's Disease. Identifiers: Orphanet 216796, Orphanet 666, MedGen C0023931, MONDO:0008146, OMIM 166200. Disease mechanism: loss of function.

Submission:

Labcorp Genetics (formerly Invitae), Labcorp
Classification: Pathogenic for Osteogenesis imperfecta type I. Last evaluated: 2021-09-02. Review status: criteria provided, single submitter. Criteria: Invitae Variant Classification Sherloc (09022015). Collection method: clinical testing. Allele origin: germline.
Comment: For these reasons, this variant has been classified as Pathogenic. This sequence change creates a premature translational stop signal (p.Ala699Cysfs*8) in the COL1A1 gene. It is expected to result in an absent or disrupted protein product. Loss-of-function variants in COL1A1 are known to be pathogenic (PMID: 7942841, 9295084, 9443882). This variant is not present in population databases (ExAC no frequency). This variant has not been reported in the literature in individuals affected with COL1A1-related conditions.

Literature cited by the submitters: PubMed 7942841; PubMed 9295084; PubMed 9443882.

NM_000088.4(COL1A1):c.2095_2102del (p.Ala699fs)

Gene: COL1A1 (collagen type I alpha 1 chain; minus strand). Cytogenetic location: 17q21.33.
Variant type: Deletion.
Coding change: c.2095_2102del on transcript NM_000088.4 (MANE Select); coding-DNA positions 2095 to 2102, 8 bases deleted (GCCAACGG; older notation c.2095_2102delGCCAACGG).
Protein change: p.Ala699fs; shifts the reading frame from alanine 699.
Molecular consequence: frameshift variant.
Genome position (GRCh38, 1-based): chr17:50,191,813-50,191,820, CCGTTGGC deleted on the plus strand (GCCAACGG on the coding strand, the reverse complement: COL1A1 is on the minus strand); deleting any 8 consecutive bases within chr17:50,191,813-50,191,822 gives the same sequence; the c. name uses the placement nearest the transcript's 3' end. VCF-style (leftmost placement, unchanged base first): chr17-50191812-ACCGTTGGC-A. GRCh37 (hg19) VCF-style: chr17-48269173-ACCGTTGGC-A.
Other names: short protein forms A699fs.
Identifiers: ClinVar variation 1414414 (VCV001414414.6), dbSNP rs2144560147, ClinGen allele CA2573154253.